The following is an entry in ClinVar:

NM_020937.4(FANCM):c.3022G>A (p.Glu1008Lys)

Gene: FANCM (FA complementation group M; plus strand). Cytogenetic location: 14q21.2.
Variant type: single nucleotide variant.
Coding change: c.3022G>A on transcript NM_020937.4 (MANE Select); coding-DNA position 3022, G replaced by A.
Protein change: p.Glu1008Lys; replaces glutamic acid 1008 with lysine.
Molecular consequence: missense variant.
Genome position (GRCh38, 1-based): chr14:45,175,776, G>A. VCF-style: chr14-45175776-G-A. GRCh37 (hg19) VCF-style: chr14-45644979-G-A.
Other names: c.2944G>A, p.Glu982Lys (NM_001308133.2); short protein forms E1008K, E982K.
Identifiers: ClinVar variation 3617129 (VCV003617129.3).
Genomic context (GRCh38, chr14:45,175,776, plus strand): 5'-GCTAATGTAGAGAGATTTTTATCTTATTCTCCTCCGCCTCTCAGTGGACTCTCAGACTTG[G>A]AATATGAAATTGCTAAGGGTACTGCACTTGAGAATTTGCTTTTCTTACCCTGTGCAGAGC-3'
Protein context (NP_065988.1, residues 998-1018): PPPLSGLSDL[Glu1008Lys]YEIAKGTALE

ClinVar aggregate classification (germline): Uncertain significance. Review status: criteria provided, multiple submitters, no conflicts (2 of 4 stars). 2 submissions from 2 submitters: Uncertain significance (2). Last evaluated 2026-08-31.

Conditions:
Fanconi anemia (FA). Also called: Fanconi's anemia. Identifiers: Orphanet 84, MedGen C0015625, MeSH D005199, MONDO:0019391.
Inborn genetic diseases. Identifiers: MedGen C0950123, MeSH D030342.

Submissions (2):

Ambry Genetics
Classification: Uncertain significance for Inborn genetic diseases. Last evaluated: 2026-08-31. Review status: criteria provided, single submitter. Criteria: Ambry Variant Classification Scheme 2023. Collection method: clinical testing. Allele origin: germline.
Comment: The p.E1008K variant (also known as c.3022G>A), located in coding exon 14 of the FANCM gene, results from a G to A substitution at nucleotide position 3022. The glutamic acid at codon 1008 is replaced by lysine, an amino acid with similar properties. This amino acid position is conserved. In addition, this alteration is predicted to be tolerated by in silico analysis. Based on the available evidence, the clinical significance of this variant remains unclear.

Labcorp Genetics (formerly Invitae), Labcorp
Classification: Uncertain significance for Fanconi anemia. Last evaluated: 2024-12-20. Review status: criteria provided, single submitter. Criteria: Invitae Variant Classification Sherloc (09022015). Collection method: clinical testing. Allele origin: germline.
Comment: This sequence change replaces glutamic acid, which is acidic and polar, with lysine, which is basic and polar, at codon 1008 of the FANCM protein (p.Glu1008Lys). This variant is not present in population databases (gnomAD no frequency). This variant has not been reported in the literature in individuals affected with FANCM-related conditions. An algorithm developed to predict the effect of missense changes on protein structure and function (PolyPhen-2) suggests that this variant is likely to be tolerated. In summary, the available evidence is currently insufficient to determine the role of this variant in disease. Therefore, it has been classified as a Variant of Uncertain Significance.